The following is an entry in ClinVar:

NM_016333.4(SRRM2):c.1183T>C (p.Ser395Pro)

Gene: SRRM2 (serine/arginine repetitive matrix 2; plus strand). Cytogenetic location: 16p13.3.
Variant type: single nucleotide variant.
Coding change: c.1183T>C on transcript NM_016333.4 (MANE Select); coding-DNA position 1183, T replaced by C.
Protein change: p.Ser395Pro; replaces serine 395 with proline.
Molecular consequence: missense variant.
Genome position (GRCh38, 1-based): chr16:2,761,711, T>C. VCF-style: chr16-2761711-T-C. GRCh37 (hg19) VCF-style: chr16-2811712-T-C.
Other names: short protein forms S395P.
Identifiers: ClinVar variation 4821245 (VCV004821245.5).

ClinVar aggregate classification (germline): Likely benign. Review status: criteria provided, multiple submitters, no conflicts (2 of 4 stars). 2 submissions from 2 submitters: Likely benign (2). Last evaluated 2026-09-01.

gnomAD v4.1: 1,414 of 1,606,156 alleles (0.088%); highest among the groups gnomAD compares: African/African-American, 1.4%; 6 homozygotes.

Submissions (2):

CeGaT Center for Human Genetics Tuebingen
Classification: Likely benign. Last evaluated: 2026-09-01. Review status: criteria provided, single submitter. Criteria: CeGaT Center For Human Genetics Tuebingen Variant Classification Criteria Version 2. Collection method: clinical testing. Allele origin: germline. Affected: yes. Observed: 4 variant alleles.
Comment: SRRM2: BP4, BS1

Blueprint Genetics
Classification: Likely benign. Last evaluated: 2024-10-02. Review status: criteria provided, single submitter. Criteria: ACMG Guidelines, 2015. Collection method: clinical testing. Allele origin: germline.